The following is an entry in ClinVar:

ClinVar aggregate classification (germline): Uncertain significance. Review status: criteria provided, multiple submitters, no conflicts (2 of 4 stars). 2 submissions from 2 submitters: Uncertain significance (2). Last evaluated 2023-11-03.

Conditions:
Hereditary cancer-predisposing syndrome. Also called: Neoplastic Syndromes, Hereditary; Tumor predisposition; Hereditary Cancer Syndrome; Hereditary neoplastic syndrome. Identifiers: Orphanet 140162, MedGen C0027672, MeSH D009386, MONDO:0015356.
Lynch syndrome 4 (LYNCH4). Also called: Hereditary non-polyposis colorectal cancer, type 4; Colorectal cancer, hereditary nonpolyposis, type 4. Identifiers: Orphanet 144, MedGen C1838333, MONDO:0013699, OMIM 614337. Disease mechanism: loss of function.

Submissions (2):

Baylor Genetics
Classification: Uncertain significance for Lynch syndrome 4. Last evaluated: 2023-11-03. Review status: criteria provided, single submitter. Criteria: ACMG Guidelines, 2015. Collection method: clinical testing. Allele origin: unknown.

Ambry Genetics
Classification: Uncertain significance for Hereditary cancer-predisposing syndrome. Last evaluated: 2021-01-22. Review status: criteria provided, single submitter. Criteria: Ambry Variant Classification Scheme 2023. Collection method: clinical testing. Allele origin: germline.
Comment: The p.G641W variant (also known as c.1921G>T), located in coding exon 11 of the PMS2 gene, results from a G to T substitution at nucleotide position 1921. The glycine at codon 641 is replaced by tryptophan, an amino acid with highly dissimilar properties. This amino acid position is not well conserved in available vertebrate species. In addition, this alteration is predicted to be tolerated by in silico analysis. Since supporting evidence is limited at this time, the clinical significance of this alteration remains unclear.

NM_000535.7(PMS2):c.1921G>T (p.Gly641Trp)

Gene: PMS2 (PMS1 homolog 2, mismatch repair system component; minus strand). Cytogenetic location: 7p22.1.
Variant type: single nucleotide variant.
Coding change: c.1921G>T on transcript NM_000535.7 (MANE Select); coding-DNA position 1921, G replaced by T.
Protein change: p.Gly641Trp; replaces glycine 641 with tryptophan.
Molecular consequence: missense variant. On other transcripts: non-coding transcript variant (1).
Genome position (GRCh38, 1-based): chr7:5,986,844, C>A on the plus strand (G>T on the coding strand, the complement: PMS2 is on the minus strand). VCF-style: chr7-5986844-C-A. GRCh37 (hg19) VCF-style: chr7-6026475-C-A.
Other names: c.1723G>T, p.Gly575Trp (NM_001406873.1); c.1753G>T, p.Gly585Trp (NM_001406874.1); c.1612G>T, p.Gly538Trp (NM_001406875.1, NM_001406877.1, NM_001406878.1 and 5 more transcripts); c.1603G>T, p.Gly535Trp (NM_001406876.1, NM_001406883.1, NM_001406903.1 and 2 more transcripts); c.1597G>T, p.Gly533Trp (NM_001406884.1); c.1585G>T, p.Gly529Trp (NM_001406885.1); c.1555G>T, p.Gly519Trp (NM_001406886.1); c.1516G>T, p.Gly506Trp (NM_001406887.1, NM_001406888.1, NM_001406889.1 and 17 more transcripts); and 12 more; short protein forms G519W, G533W, G585W, G641W, G450W, G454W, G529W, G538W.
Identifiers: ClinVar variation 1782694 (VCV001782694.3), dbSNP rs1782938207, ClinGen allele CA366739244.